The following is an entry in ClinVar:

ClinVar aggregate classification (germline): Pathogenic (1 of 4 stars; one submission).

Submission:

Labcorp Genetics (formerly Invitae), Labcorp
Classification: Pathogenic. Last evaluated: 2021-04-12. Review status: criteria provided, single submitter. Criteria: Invitae Variant Classification Sherloc (09022015). Collection method: clinical testing. Allele origin: germline.
Comment: For these reasons, this variant has been classified as Pathogenic. This variant disrupts the C-terminus of the SLC4A11 protein. Other variant(s) that disrupt this region (p.Thr818Aspfs*61) have been determined to be pathogenic (Invitae). This suggests that variants that disrupt this region of the protein are likely to be causative of disease. This variant has not been reported in the literature in individuals with SLC4A11-related conditions. This variant is not present in population databases (ExAC no frequency). This sequence change creates a premature translational stop signal (p.Leu789Alafs*86) in the SLC4A11 gene. While this is not anticipated to result in nonsense mediated decay, it is expected to disrupt the last 103 amino acid(s) of the SLC4A11 protein.

NM_001174089.2(SLC4A11):c.2317_2327del (p.Leu773fs)

Gene: SLC4A11 (solute carrier family 4 member 11; minus strand). Cytogenetic location: 20p13.
Variant type: Deletion.
Coding change: c.2317_2327del on transcript NM_001174089.2 (MANE Select); coding-DNA positions 2317 to 2327, 11 bases deleted (CTCTACATCGC).
Protein change: p.Leu773fs; shifts the reading frame from leucine 773.
Molecular consequence: frameshift variant. On other transcripts: non-coding transcript variant (1).
Genome position (GRCh38, 1-based): chr20:3,228,573-3,228,583, GCGATGTAGAG deleted on the plus strand (CTCTACATCGC on the coding strand, the reverse complement: SLC4A11 is on the minus strand); deleting any 11 consecutive bases within chr20:3,228,573-3,228,584 gives the same sequence; the c. name uses the placement nearest the transcript's 3' end. VCF-style (leftmost placement, unchanged base first): chr20-3228572-CGCGATGTAGAG-C. GRCh37 (hg19) VCF-style: chr20-3209218-CGCGATGTAGAG-C.
Other names: c.2446_2456del, p.Leu816fs (NM_001174090.2); c.2203_2213del, p.Leu735fs (NM_001363745.2); c.2365_2375del, p.Leu789fs (NM_032034.4); short protein forms L816fs, L735fs, L773fs, L789fs.
Identifiers: ClinVar variation 1377925 (VCV001377925.8), dbSNP rs2122503565, ClinGen allele CA2573156894.
Genomic context (GRCh38, chr20:3,228,572, plus strand): 5'-CTGCTCCTTGAGCAGCAGGGCCACGCGCTGGACGAGCTGGTTGCCATCGAGGGAGGTGAG[CGCGATGTAGAG>C]GAAGAGGCCATAGAGCACGGGCTTGGGGATCCACTGAAGCGGGACCGGCAGCAGCAACAG-3'